The following is an entry in ClinVar:

NM_173728.4(ARHGEF15):c.1127C>T (p.Pro376Leu)

Gene: ARHGEF15 (Rho guanine nucleotide exchange factor 15; plus strand). Cytogenetic location: 17p13.1.
Variant type: single nucleotide variant.
Coding change: c.1127C>T on transcript NM_173728.4 (MANE Select); coding-DNA position 1127, C replaced by T.
Protein change: p.Pro376Leu; replaces proline 376 with leucine.
Molecular consequence: missense variant.
Genome position (GRCh38, 1-based): chr17:8,315,144, C>T. VCF-style: chr17-8315144-C-T. GRCh37 (hg19) VCF-style: chr17-8218462-C-T.
Other names: c.1127C>T, p.Pro376Leu (NM_025014.2); short protein forms P376L.
Identifiers: ClinVar variation 4803483 (VCV004803483.1).

ClinVar aggregate classification (germline): Uncertain significance (1 of 4 stars; one submission).

Conditions:
Early-infantile DEE. Also called: Early infantile epileptic encephalopathy; Early infantile epileptic encephalopathy with suppression bursts; Ohtahara syndrome. Identifiers: Orphanet 1934, MedGen C0393706, MONDO:0800491.

Submission:

Labcorp Genetics (formerly Invitae), Labcorp
Classification: Uncertain significance for Early-infantile DEE. Last evaluated: 2025-05-17. Review status: criteria provided, single submitter. Criteria: Invitae Variant Classification Sherloc (09022015). Collection method: clinical testing. Allele origin: germline.
Comment: This sequence change replaces proline, which is neutral and non-polar, with leucine, which is neutral and non-polar, at codon 376 of the ARHGEF15 protein (p.Pro376Leu). This variant is not present in population databases (gnomAD no frequency). This variant has not been reported in the literature in individuals affected with ARHGEF15-related conditions. An algorithm developed to predict the effect of missense changes on protein structure and function outputs the following: PolyPhen-2: "Benign". The leucine amino acid residue is found in multiple mammalian species, which suggests that this missense change does not adversely affect protein function. In summary, the available evidence is currently insufficient to determine the role of this variant in disease. Therefore, it has been classified as a Variant of Uncertain Significance.